The following is an entry in ClinVar:

ClinVar aggregate classification (germline): Uncertain significance (1 of 4 stars; one submission).

Allele frequency attached by ClinVar (database versions not stated): TOPMed below 0.00001.

Submission:

Labcorp Genetics (formerly Invitae), Labcorp
Classification: Uncertain significance. Last evaluated: 2021-11-21. Review status: criteria provided, single submitter. Criteria: Invitae Variant Classification Sherloc (09022015). Collection method: clinical testing. Allele origin: germline.
Comment: This sequence change replaces glycine, which is neutral and non-polar, with arginine, which is basic and polar, at codon 529 of the ADAMTS10 protein (p.Gly529Arg). This variant is not present in population databases (gnomAD no frequency). In summary, the available evidence is currently insufficient to determine the role of this variant in disease. Therefore, it has been classified as a Variant of Uncertain Significance. Algorithms developed to predict the effect of missense changes on protein structure and function (SIFT, PolyPhen-2, Align-GVGD) all suggest that this variant is likely to be disruptive. This variant has not been reported in the literature in individuals affected with ADAMTS10-related conditions.

NM_030957.4(ADAMTS10):c.1585G>C (p.Gly529Arg)

Gene: ADAMTS10 (ADAM metallopeptidase with thrombospondin type 1 motif 10; minus strand). Cytogenetic location: 19p13.2.
Variant type: single nucleotide variant.
Coding change: c.1585G>C on transcript NM_030957.4 (MANE Select); coding-DNA position 1585, G replaced by C.
Protein change: p.Gly529Arg; replaces glycine 529 with arginine.
Molecular consequence: missense variant.
Genome position (GRCh38, 1-based): chr19:8,592,765, C>G on the plus strand (G>C on the coding strand, the complement: ADAMTS10 is on the minus strand). VCF-style: chr19-8592765-C-G. GRCh37 (hg19) VCF-style: chr19-8657649-C-G.
Other names: short protein forms G529R.
Identifiers: ClinVar variation 1515444 (VCV001515444.6), dbSNP rs1486641948, ClinGen allele CA403754094.